The following is an entry in ClinVar:

NM_004304.5(ALK):c.896C>A (p.Ser299Tyr)

Gene: ALK (ALK receptor tyrosine kinase; minus strand). Cytogenetic location: 2p23.2.
Variant type: single nucleotide variant.
Coding change: c.896C>A on transcript NM_004304.5 (MANE Select); coding-DNA position 896, C replaced by A.
Protein change: p.Ser299Tyr; replaces serine 299 with tyrosine.
Molecular consequence: missense variant.
Genome position (GRCh38, 1-based): chr2:29,694,906, G>T on the plus strand (C>A on the coding strand, the complement: ALK is on the minus strand). VCF-style: chr2-29694906-G-T. GRCh37 (hg19) VCF-style: chr2-29917772-G-T.
Other names: short protein forms S299Y.
Identifiers: ClinVar variation 2700590 (VCV002700590.3), dbSNP rs757648452, ClinGen allele CA1594823.

ClinVar aggregate classification (germline): Uncertain significance (1 of 4 stars; one submission).

Conditions:
Neuroblastoma, susceptibility to, 3. Also called: ALK-Related Neuroblastic Tumor Susceptibility. Identifiers: Orphanet 635, MedGen C2751681, MONDO:0013083, OMIM 613014.

Allele frequency attached by ClinVar (database versions not stated): gnomAD exomes below 0.00001; ExAC 0.00001; gnomAD 0.00001.
gnomAD v4.1: 4 of 1,614,006 alleles (0.00025%); highest among the groups gnomAD compares: Non-Finnish European, 0.000085%; no homozygotes.

Submission:

Labcorp Genetics (formerly Invitae), Labcorp
Classification: Uncertain significance for Neuroblastoma, susceptibility to, 3. Last evaluated: 2023-12-03. Review status: criteria provided, single submitter. Criteria: Invitae Variant Classification Sherloc (09022015). Collection method: clinical testing. Allele origin: germline.
Comment: This sequence change replaces serine, which is neutral and polar, with tyrosine, which is neutral and polar, at codon 299 of the ALK protein (p.Ser299Tyr). This variant is present in population databases (rs757648452, gnomAD 0.004%). This variant has not been reported in the literature in individuals affected with ALK-related conditions. An algorithm developed to predict the effect of missense changes on protein structure and function (PolyPhen-2) suggests that this variant is likely to be disruptive. In summary, the available evidence is currently insufficient to determine the role of this variant in disease. Therefore, it has been classified as a Variant of Uncertain Significance.